The following is an entry in ClinVar:

NM_001130823.3(DNMT1):c.22G>T (p.Ala8Ser)

Genes: DNMT1 (DNA methyltransferase 1; minus strand), LOC130063472 (ATAC-STARR-seq lymphoblastoid silent region 10057; plus strand). Cytogenetic location: 19p13.2.
Variant type: single nucleotide variant.
Coding change: c.22G>T on transcript NM_001130823.3 (MANE Select); coding-DNA position 22, G replaced by T.
Protein change: p.Ala8Ser; replaces alanine 8 with serine.
Molecular consequence: missense variant. On other transcripts: 5 prime UTR variant (1).
Genome position (GRCh38, 1-based): chr19:10,194,878, C>A on the plus strand (G>T on the coding strand, the complement: DNMT1 is on the minus strand). VCF-style: chr19-10194878-C-A. GRCh37 (hg19) VCF-style: chr19-10305554-C-A.
Other names: c.22G>T, p.Ala8Ser (NM_001318730.2, NM_001379.4); c.-302G>T (NM_001318731.2); short protein forms A8S.
Identifiers: ClinVar variation 1975568 (VCV001975568.5), dbSNP rs1217509888, ClinGen allele CA403950248.

ClinVar aggregate classification (germline): Uncertain significance (1 of 4 stars; one submission).

Conditions:
Hereditary sensory neuropathy-deafness-dementia syndrome. Also called: NEUROPATHY, HEREDITARY SENSORY, WITH HEARING LOSS AND DEMENTIA; HSN IE; Hereditary sensory neuropathy type IE; Hereditary Sensory and Autonomic Neuropathy Type 1E (HSAN1E). Identifiers: Orphanet 456318, MedGen C3279885, MONDO:0013584, OMIM 614116.

Allele frequency attached by ClinVar (database versions not stated): gnomAD exomes below 0.00001.
gnomAD v4.1: 2 of 1,610,488 alleles (0.00012%); highest among the groups gnomAD compares: Admixed American, 0.0033%; no homozygotes.

Submission:

Labcorp Genetics (formerly Invitae), Labcorp
Classification: Uncertain significance for Hereditary sensory neuropathy-deafness-dementia syndrome. Last evaluated: 2022-10-18. Review status: criteria provided, single submitter. Criteria: Invitae Variant Classification Sherloc (09022015). Collection method: clinical testing. Allele origin: germline.
Comment: In summary, the available evidence is currently insufficient to determine the role of this variant in disease. Therefore, it has been classified as a Variant of Uncertain Significance. Algorithms developed to predict the effect of missense changes on protein structure and function are either unavailable or do not agree on the potential impact of this missense change (SIFT: "Tolerated"; PolyPhen-2: "Probably Damaging"; Align-GVGD: "Class C0"). This variant has not been reported in the literature in individuals affected with DNMT1-related conditions. The frequency data for this variant in the population databases is considered unreliable, as metrics indicate poor data quality at this position in the gnomAD database. This sequence change replaces alanine, which is neutral and non-polar, with serine, which is neutral and polar, at codon 8 of the DNMT1 protein (p.Ala8Ser).